The following is an entry in ClinVar:

ClinVar aggregate classification (germline): Uncertain significance. Review status: criteria provided, multiple submitters, no conflicts (2 of 4 stars). 2 submissions from 2 submitters: Uncertain significance (2). Last evaluated 2024-07-27.

Conditions:
Autosomal recessive spinocerebellar ataxia 12. Also called: SPINOCEREBELLAR ATAXIA WITH MENTAL RETARDATION AND EPILEPSY. Identifiers: Orphanet 284282, MedGen C3280452, MONDO:0013687, OMIM 614322.
Developmental and epileptic encephalopathy, 1 (DEE1). Also called: X-linked infantile spasms; West's syndrome; Tonic spasms with clustering, arrest of psychomotor development and hypsarrhythmia on EEG; X-Linked Infantile Spasm Syndrome; OHTAHARA SYNDROME, X-LINKED; INFANTILE SPASM SYNDROME, X-LINKED 1. Identifiers: MedGen C3463992, MONDO:0010632, OMIM 308350. Disease mechanism: loss of function.
Inborn genetic diseases. Identifiers: MedGen C0950123, MeSH D030342.

Allele frequency attached by ClinVar (database versions not stated): TOPMed 0.00004; gnomAD 0.00005.
gnomAD v4.1: 29 of 1,613,880 alleles (0.0018%); highest among the groups gnomAD compares: African/African-American, 0.0027%; no homozygotes.

Submissions (2):

Ambry Genetics
Classification: Uncertain significance for Inborn genetic diseases. Last evaluated: 2024-07-27. Review status: criteria provided, single submitter. Criteria: Ambry Variant Classification Scheme 2023. Collection method: clinical testing. Allele origin: germline.

Labcorp Genetics (formerly Invitae), Labcorp
Classification: Uncertain significance for Developmental and epileptic encephalopathy, 1; Autosomal recessive spinocerebellar ataxia 12. Last evaluated: 2022-03-23. Review status: criteria provided, single submitter. Criteria: Invitae Variant Classification Sherloc (09022015). Collection method: clinical testing. Allele origin: germline.
Comment: This sequence change replaces glutamic acid, which is acidic and polar, with lysine, which is basic and polar, at codon 170 of the WWOX protein (p.Glu170Lys). This variant is present in population databases (rs758121265, gnomAD 0.003%). This variant has not been reported in the literature in individuals affected with WWOX-related conditions. ClinVar contains an entry for this variant (Variation ID: 955318). Algorithms developed to predict the effect of missense changes on protein structure and function are either unavailable or do not agree on the potential impact of this missense change (SIFT: "Not Available"; PolyPhen-2: "Benign"; Align-GVGD: "Not Available"). In summary, the available evidence is currently insufficient to determine the role of this variant in disease. Therefore, it has been classified as a Variant of Uncertain Significance.

NM_016373.4(WWOX):c.508G>A (p.Glu170Lys)

Gene: WWOX (WW domain containing oxidoreductase; plus strand). Cytogenetic location: 16q23.1.
Variant type: single nucleotide variant.
Coding change: c.508G>A on transcript NM_016373.4 (MANE Select); coding-DNA position 508, G replaced by A.
Protein change: p.Glu170Lys; replaces glutamic acid 170 with lysine.
Molecular consequence: missense variant. On other transcripts: non-coding transcript variant (1).
Genome position (GRCh38, 1-based): chr16:78,164,281, G>A. VCF-style: chr16-78164281-G-A. GRCh37 (hg19) VCF-style: chr16-78198178-G-A.
Other names: c.169G>A, p.Glu57Lys (NM_001291997.2); c.508G>A, p.Glu170Lys (NM_130791.5); c.508G>A (NM_016373.2); short protein forms E170K, E57K.
Identifiers: ClinVar variation 955318 (VCV000955318.5), dbSNP rs758121265, ClinGen allele CA8183234.